The following is an entry in ClinVar:

NM_022463.5(NXN):c.958G>A (p.Ala320Thr)

Gene: NXN (nucleoredoxin; minus strand). Cytogenetic location: 17p13.3.
Variant type: single nucleotide variant.
Coding change: c.958G>A on transcript NM_022463.5 (MANE Select); coding-DNA position 958, G replaced by A.
Protein change: p.Ala320Thr; replaces alanine 320 with threonine.
Molecular consequence: missense variant.
Genome position (GRCh38, 1-based): chr17:805,110, C>T on the plus strand (G>A on the coding strand, the complement: NXN is on the minus strand). VCF-style: chr17-805110-C-T. GRCh37 (hg19) VCF-style: chr17-708350-C-T.
Other names: c.634G>A, p.Ala212Thr (NM_001205319.1); c.958G>A (NM_022463.4); short protein forms A320T, A212T.
Identifiers: ClinVar variation 1910134 (VCV001910134.3), dbSNP rs374093065, ClinGen allele CA8264004.

ClinVar aggregate classification (germline): Uncertain significance. Review status: criteria provided, multiple submitters, no conflicts (2 of 4 stars). 2 submissions from 2 submitters: Uncertain significance (2). Last evaluated 2025-08-04.

Allele frequency attached by ClinVar (database versions not stated): ExAC 0.00001; gnomAD 0.00001; TOPMed 0.00004; ESP Exome Variant Server 0.00008.
gnomAD v4.1: 55 of 1,609,430 alleles (0.0034%); highest among the groups gnomAD compares: Non-Finnish European, 0.0042%; no homozygotes.

Submissions (2):

Ambry Genetics
Classification: Uncertain significance. Last evaluated: 2025-08-04. Review status: criteria provided, single submitter. Criteria: Ambry Variant Classification Scheme 2023. Collection method: clinical testing. Allele origin: germline.

Labcorp Genetics (formerly Invitae), Labcorp
Classification: Uncertain significance. Last evaluated: 2022-03-29. Review status: criteria provided, single submitter. Criteria: Invitae Variant Classification Sherloc (09022015). Collection method: clinical testing. Allele origin: germline.
Comment: This sequence change replaces alanine, which is neutral and non-polar, with threonine, which is neutral and polar, at codon 320 of the NXN protein (p.Ala320Thr). The frequency data for this variant in the population databases is considered unreliable, as metrics indicate poor data quality at this position in the gnomAD database. This variant has not been reported in the literature in individuals affected with NXN-related conditions. Algorithms developed to predict the effect of missense changes on protein structure and function (SIFT, PolyPhen-2, Align-GVGD) all suggest that this variant is likely to be tolerated. In summary, the available evidence is currently insufficient to determine the role of this variant in disease. Therefore, it has been classified as a Variant of Uncertain Significance.